The following is an entry in ClinVar:

ClinVar aggregate classification (germline): Uncertain significance (1 of 4 stars; one submission).

Conditions:
Familial focal epilepsy with variable foci (FPEVF). Identifiers: Orphanet 98820, MedGen C1858477, MONDO:0020310.

Allele frequency attached by ClinVar (database versions not stated): gnomAD 0.00001; gnomAD exomes 0.00001.
gnomAD v4.1: 22 of 1,613,732 alleles (0.0014%); highest among the groups gnomAD compares: East Asian, 0.0045%; no homozygotes.

Submission:

Labcorp Genetics (formerly Invitae), Labcorp
Classification: Uncertain significance for Familial focal epilepsy with variable foci. Last evaluated: 2024-11-11. Review status: criteria provided, single submitter. Criteria: Invitae Variant Classification Sherloc (09022015). Collection method: clinical testing. Allele origin: germline.
Comment: This sequence change replaces threonine, which is neutral and polar, with methionine, which is neutral and non-polar, at codon 873 of the DEPDC5 protein (p.Thr873Met). This variant is not present in population databases (gnomAD no frequency). This variant has not been reported in the literature in individuals affected with DEPDC5-related conditions. ClinVar contains an entry for this variant (Variation ID: 1489272). Experimental studies and prediction algorithms are not available or were not evaluated, and the functional significance of this variant is currently unknown. In summary, the available evidence is currently insufficient to determine the role of this variant in disease. Therefore, it has been classified as a Variant of Uncertain Significance.

NM_001242896.3(DEPDC5):c.2618C>T (p.Thr873Met)

Gene: DEPDC5 (DEP domain containing 5, GATOR1 subcomplex subunit; plus strand). Cytogenetic location: 22q12.3.
Variant type: single nucleotide variant.
Coding change: c.2618C>T on transcript NM_001242896.3 (MANE Select); coding-DNA position 2618, C replaced by T.
Protein change: p.Thr873Met; replaces threonine 873 with methionine.
Molecular consequence: missense variant. On other transcripts: non-coding transcript variant (5).
Genome position (GRCh38, 1-based): chr22:31,843,197, C>T. VCF-style: chr22-31843197-C-T. GRCh37 (hg19) VCF-style: chr22-32239183-C-T.
Other names: c.2591C>T, p.Thr864Met (NM_001136029.4, NM_001369903.1, NM_014662.6); c.2384C>T, p.Thr795Met (NM_001242897.2, NM_001363854.2, NM_001364319.2); c.2618C>T, p.Thr873Met (NM_001363852.2, NM_001364318.2, NM_001364320.2); c.2534C>T, p.Thr845Met (NM_001369901.1, NM_001369902.1); short protein forms T795M, T845M, T864M, T873M.
Identifiers: ClinVar variation 1489272 (VCV001489272.8), dbSNP rs2091503304, ClinGen allele CA411289174.